The following is an entry in ClinVar:

ClinVar aggregate classification (germline): Pathogenic. Review status: criteria provided, multiple submitters, no conflicts (2 of 4 stars). 2 submissions from 2 submitters: Pathogenic (2). Last evaluated 2024-08-31.

Conditions:
Diamond-Blackfan anemia. Also called: Blackfan Diamond syndrome; Aregenerative anemia chronic congenital; Red cell aplasia, pure hereditary; Congenital hypoplastic anemia; Aase syndrome. Identifiers: Orphanet 124, MedGen C1260899, MeSH D029503, MONDO:0015253, HP:0004810.
Diamond-Blackfan anemia 10 (DBA10). Also called: RPS26-Related Diamond-Blackfan Anemia. Identifiers: Orphanet 124, MedGen C2750080, MONDO:0013217, OMIM 613309.

Submissions (2):

Labcorp Genetics (formerly Invitae), Labcorp
Classification: Pathogenic for Diamond-Blackfan anemia 10. Last evaluated: 2024-08-31. Review status: criteria provided, single submitter. Criteria: Invitae Variant Classification Sherloc (09022015). Collection method: clinical testing. Allele origin: germline.
Comment: This sequence change affects the initiator methionine of the RPS26 mRNA. The next in-frame methionine is located at codon 115. This variant is not present in population databases (gnomAD no frequency). Disruption of the initiator codon has been observed in individual(s) with Diamond-Blackfan anemia (PMID: 20116044, 21414820, 26136524, 28102861, 29114930). In at least one individual the variant was observed to be de novo. ClinVar contains an entry for this variant (Variation ID: 1798678). For these reasons, this variant has been classified as Pathogenic.

Ambry Genetics
Classification: Pathogenic for Diamond-Blackfan anemia. Last evaluated: 2015-12-01. Review status: criteria provided, single submitter. Criteria: Ambry Variant Classification Scheme 2023. Collection method: clinical testing. Allele origin: germline.
Comment: The p.M1? pathogenic mutation (also known as c.2T>C and p.M1T) is located in coding exon 1 of the RPS26 gene and results from a T to C substitution at nucleotide position 1. This alters the methionine residue at the initiation codon. Several disease-causing mutations have been described in the initiation codon. Since sequence variations that modify the initiation codon (ATG) are expected to result in either loss of translation initiation, N-terminal truncation or cause a shift in the mRNA reading frame, this alteration is interpreted as a disease-causing mutation (ACMG Recommendations for Standards for Interpretation and Reporting of Sequence Variations. Revision 2007. Genet Med. 2008;10:294).

Literature cited by the submitters: PubMed 20116044 (cited by Labcorp Genetics (formerly Invitae), Labcorp); PubMed 21414820 (cited by Labcorp Genetics (formerly Invitae), Labcorp); PubMed 26136524 (cited by Labcorp Genetics (formerly Invitae), Labcorp); PubMed 28102861 (cited by Labcorp Genetics (formerly Invitae), Labcorp); PubMed 29114930 (cited by Labcorp Genetics (formerly Invitae), Labcorp).

NM_001029.5(RPS26):c.2T>C (p.Met1Thr)

Gene: RPS26 (ribosomal protein S26; plus strand). Cytogenetic location: 12q13.2.
Variant type: single nucleotide variant.
Coding change: c.2T>C on transcript NM_001029.5 (MANE Select); coding-DNA position 2, T replaced by C.
Protein change: p.Met1Thr; changes the start codon (methionine 1).
Molecular consequence: missense variant, initiator codon variant.
Genome position (GRCh38, 1-based): chr12:56,042,168, T>C. VCF-style: chr12-56042168-T-C. GRCh37 (hg19) VCF-style: chr12-56435952-T-C.
Other names: short protein forms M1T.
Identifiers: ClinVar variation 1798678 (VCV001798678.5), dbSNP rs1895894261, ClinGen allele CA385326236.